The following is an entry in ClinVar:

NM_000492.4(CFTR):c.3925C>T (p.Gln1309Ter)

Gene: CFTR (CF transmembrane conductance regulator; plus strand). Cytogenetic location: 7q31.2.
Variant type: single nucleotide variant.
Coding change: c.3925C>T on transcript NM_000492.4 (MANE Select); coding-DNA position 3925, C replaced by T.
Protein change: p.Gln1309Ter; replaces glutamine 1309 with a stop codon.
Molecular consequence: nonsense.
Genome position (GRCh38, 1-based): chr7:117,652,893, C>T. VCF-style: chr7-117652893-C-T. GRCh37 (hg19) VCF-style: chr7-117292947-C-T.
Other names: Q1309X; short protein forms Q1309*.
Identifiers: ClinVar variation 618939 (VCV000618939.10), dbSNP rs193922732, ClinGen allele CA164952756.

ClinVar aggregate classification (germline): Pathogenic. Review status: criteria provided, multiple submitters, no conflicts (2 of 4 stars). 3 submissions from 3 submitters: Pathogenic (3). Last evaluated 2022-09-05.

Conditions:
Cystic fibrosis (CF). Also called: MUCOVISCIDOSIS. Identifiers: Orphanet 586, MedGen C0010674, MONDO:0009061, OMIM 219700. Disease mechanism: loss of function.

gnomAD v4.1: 1 of 1,605,780 alleles (0.000062%); highest among the groups gnomAD compares: Non-Finnish European, 0.000085%; no homozygotes.

Submissions (3):

Institute of Human Genetics, University of Leipzig Medical Center
Classification: Pathogenic for Cystic fibrosis. Last evaluated: 2022-09-05. Review status: criteria provided, single submitter. Criteria: ACMG Guidelines, 2015. Collection method: curation. Allele origin: unknown. Affected: yes. Observed: 3 variant alleles.
Comment: This variant was identified in 3 unrelated patients with a clinically confirmed diagnosis of cystic fibrosis. The variant was classified in the context of a project re-classifying variants in the German Cystic Fibrosis Registry (Muko.e.V.). Criteria applied: PVS1, PM2_SUP, PP4

Labcorp Genetics (formerly Invitae), Labcorp
Classification: Pathogenic for Cystic fibrosis. Last evaluated: 2019-05-23. Review status: criteria provided, single submitter. Criteria: Invitae Variant Classification Sherloc (09022015). Collection method: clinical testing. Allele origin: germline.
Comment: Loss-of-function variants in CFTR are known to be pathogenic (PMID: 1695717, 7691345, 9725922). For these reasons, this variant has been classified as Pathogenic. This variant has not been reported in the literature in individuals with CFTR-related conditions. ClinVar contains an entry for this variant (Variation ID: 618939). This variant is not present in population databases (ExAC no frequency). This sequence change creates a premature translational stop signal (p.Gln1309*) in the CFTR gene. It is expected to result in an absent or disrupted protein product.

Mendelics
Classification: Pathogenic for Cystic fibrosis. Last evaluated: 2018-11-05. Review status: criteria provided, single submitter. Criteria: Mendelics Assertion Criteria 2017. Collection method: clinical testing. Allele origin: unknown. Affected: yes.

Literature cited by the submitters: PubMed 1695717 (cited by Labcorp Genetics (formerly Invitae), Labcorp); PubMed 7691345 (cited by Labcorp Genetics (formerly Invitae), Labcorp); PubMed 9725922 (cited by Labcorp Genetics (formerly Invitae), Labcorp).